The following is an entry in ClinVar:

ClinVar aggregate classification (germline): Likely benign (1 of 4 stars; one submission).

Submission:

CeGaT Center for Human Genetics Tuebingen
Classification: Likely benign. Last evaluated: 2024-05-01. Review status: criteria provided, single submitter. Criteria: CeGaT Center For Human Genetics Tuebingen Variant Classification Criteria Version 2. Collection method: clinical testing. Allele origin: germline. Affected: yes. Observed: 1 variant allele.
Comment: PCK2: PM2:Supporting, BP4, BP7

NM_004563.4(PCK2):c.798A>T (p.Leu266=)

Genes: NRL (neural retina leucine zipper; minus strand), PCK2 (phosphoenolpyruvate carboxykinase 2, mitochondrial; plus strand). Cytogenetic location: 14q11.2.
Variant type: single nucleotide variant.
Coding change: c.798A>T on transcript NM_004563.4 (MANE Select); coding-DNA position 798, A replaced by T.
Protein change: p.Leu266=; no amino-acid change (leucine 266 retained).
Molecular consequence: synonymous variant. On other transcripts: intron variant (3).
Genome position (GRCh38, 1-based): chr14:24,099,182, A>T. VCF-style: chr14-24099182-A-T. GRCh37 (hg19) VCF-style: chr14-24568391-A-T.
Other names: c.798A>T, p.Leu266= (NM_001018073.3); c.396A>T, p.Leu132= (NM_001291556.2, NM_001308054.2); c.-28+15540T>A (NM_001354768.3, NM_001354770.2); c.-253-14437T>A (NM_006177.5).
Identifiers: ClinVar variation 3239315 (VCV003239315.19), dbSNP rs1428170754.